The following is an entry in ClinVar:

NM_004493.3(HSD17B10):c.17G>A (p.Arg6Gln)

Gene: HSD17B10 (hydroxysteroid 17-beta dehydrogenase 10; minus strand). Cytogenetic location: Xp11.22.
Variant type: single nucleotide variant.
Coding change: c.17G>A on transcript NM_004493.3 (MANE Select); coding-DNA position 17, G replaced by A.
Protein change: p.Arg6Gln; replaces arginine 6 with glutamine.
Molecular consequence: missense variant.
Genome position (GRCh38, 1-based): chrX:53,434,329, C>T on the plus strand (G>A on the coding strand, the complement: HSD17B10 is on the minus strand). VCF-style: chrX-53434329-C-T. GRCh37 (hg19) VCF-style: chrX-53461276-C-T.
Other names: c.17G>A, p.Arg6Gln (NM_001037811.2); short protein forms R6Q.
Identifiers: ClinVar variation 1311115 (VCV001311115.2), dbSNP rs1556895050, ClinGen allele CA413156104.

ClinVar aggregate classification (germline): Uncertain significance (1 of 4 stars; one submission).

Submission:

GeneDx
Classification: Uncertain significance. Last evaluated: 2019-12-30. Review status: criteria provided, single submitter. Criteria: GeneDx Variant Classification Process June 2021. Collection method: clinical testing. Allele origin: germline. Affected: yes.
Comment: In silico analysis, which includes protein predictors and evolutionary conservation, supports that this variant does not alter protein structure/function; Has not been previously published as pathogenic or benign to our knowledge